The following is an entry in ClinVar:

ClinVar aggregate classification (germline): Uncertain significance (1 of 4 stars; one submission).

gnomAD v4.1: 10 of 1,612,166 alleles (0.00062%); highest among the groups gnomAD compares: Non-Finnish European, 0.00085%; no homozygotes.

Submission:

Ambry Genetics
Classification: Uncertain significance. Last evaluated: 2021-10-09. Review status: criteria provided, single submitter. Criteria: Ambry Variant Classification Scheme 2023. Collection method: clinical testing. Allele origin: germline.
Comment: The p.K577N variant (also known as c.1731G>C), located in coding exon 13 of the NPAT gene, results from a G to C substitution at nucleotide position 1731. The lysine at codon 577 is replaced by asparagine, an amino acid with similar properties. This amino acid position is conserved. In addition, this alteration is predicted to be tolerated by in silico analysis. Since supporting evidence is limited at this time, the clinical significance of this alteration remains unclear.

NM_002519.3(NPAT):c.1731G>C (p.Lys577Asn)

Gene: NPAT (nuclear protein, coactivator of histone transcription; minus strand). Cytogenetic location: 11q22.3.
Variant type: single nucleotide variant.
Coding change: c.1731G>C on transcript NM_002519.3 (MANE Select); coding-DNA position 1731, G replaced by C.
Protein change: p.Lys577Asn; replaces lysine 577 with asparagine.
Molecular consequence: missense variant.
Genome position (GRCh38, 1-based): chr11:108,173,253, C>G on the plus strand (G>C on the coding strand, the complement: NPAT is on the minus strand). VCF-style: chr11-108173253-C-G. GRCh37 (hg19) VCF-style: chr11-108043980-C-G.
Other names: c.1731G>C, p.Lys577Asn (NM_001321307.1); short protein forms K577N.
Identifiers: ClinVar variation 1779001 (VCV001779001.2), dbSNP rs1167793049, ClinGen allele CA382514484.
Genomic context (GRCh38, chr11:108,173,253, plus strand): 5'-ATCTTGGCAATTTGATAGCTGTGACATAACTGGTTCTAACACATTAATTTCTATTTTACT[C>G]TTGTGAACTTCACTAGAATCTGATGACTTGGAACCATGAAAATTAATTTTAAGTTTTACT-3'
Protein context (NP_002510.2, residues 567-587): SKSSDSSEVH[Lys577Asn]SKIEINVLEP